The following is an entry in ClinVar:

NM_001083962.2(TCF4):c.1153C>T (p.Arg385Ter)

Gene: TCF4 (transcription factor 4; minus strand). Cytogenetic location: 18q21.2.
Variant type: single nucleotide variant.
Coding change: c.1153C>T on transcript NM_001083962.2 (MANE Select); coding-DNA position 1153, C replaced by T.
Protein change: p.Arg385Ter; replaces arginine 385 with a stop codon.
Molecular consequence: nonsense.
Genome position (GRCh38, 1-based): chr18:55,254,694, G>A on the plus strand (C>T on the coding strand, the complement: TCF4 is on the minus strand). VCF-style: chr18-55254694-G-A. GRCh37 (hg19) VCF-style: chr18-52921925-G-A.
Other names: R358*; NM_001083962.2(TCF4):c.1153C>T; p.Arg385Ter; c.1078C>T, p.Arg360Ter (NM_001369577.1, NM_001369578.1, NM_001369579.1 and 6 more transcripts); c.1459C>T, p.Arg487Ter (NM_001243226.3); c.1081C>T, p.Arg361Ter (NM_001243227.2, NM_001348217.1, NM_001348218.2 and 5 more transcripts); c.1171C>T, p.Arg391Ter (NM_001243228.2); c.1144C>T, p.Arg382Ter (NM_001243230.2); and 9 more; short protein forms R385*, R225*, R314*, R362*, R382*, R384*, R343*, R360*.
Identifiers: ClinVar variation 7372 (VCV000007372.29), dbSNP rs121909122, ClinGen allele CA254164.
Genomic context (GRCh38, chr18:55,254,694, plus strand): 5'-CTGCATGGTTCCGGAGAACATGAATAGCATCATCCAGTCTTTCTAAACGATCTTCAATTC[G>A]GCTTTGCTGTTGGTTAACAAATGATGTAAAATTTGATTTAGTTCAAAAGGGGTGCCTAAA-3'

ClinVar aggregate classification (germline): Pathogenic. Review status: criteria provided, multiple submitters, no conflicts (2 of 4 stars). 13 submissions from 13 submitters: Pathogenic (12). 1 of the submissions does not count toward it. Last evaluated 2025-10-02.

Conditions:
Pitt-Hopkins syndrome (PTHS). Also called: MENTAL RETARDATION, SYNDROMAL, WITH INTERMITTENT HYPERVENTILATION; ENCEPHALOPATHY, SEVERE EPILEPTIC, WITH AUTONOMIC DYSFUNCTION. Identifiers: Orphanet 2896, MedGen C1970431, MONDO:0012589, OMIM 610954.
Corneal dystrophy, Fuchs endothelial, 3 (FECD3). Also called: FCD2 LOCUS. Identifiers: Orphanet 98974, MedGen C2750451, MONDO:0013203, OMIM 613267.

Submissions (13):

3billion
Classification: Pathogenic for Pitt-Hopkins syndrome. Last evaluated: 2025-10-02. Review status: criteria provided, single submitter. Criteria: ACMG Guidelines, 2015. Collection method: clinical testing. Allele origin: germline. Affected: yes.
Comment: The variant is not observed in the gnomAD v4.1.0 dataset. Predicted Consequence/Location: Stop-gained (nonsense): predicted to result in a loss or disruption of normal protein function through nonsense-mediated decay (NMD) or protein truncation. Multiple pathogenic variants are reported downstream of the variant. The variant has been reported at least twice as pathogenic with clinical assertions and evidence for the classification (ClinVar ID: VCV000007372 /PMID: 17436255). Therefore, this variant is classified as Pathogenic according to the recommendation of ACMG/AMP guideline.

GeneDx
Classification: Pathogenic. Last evaluated: 2023-05-07. Review status: criteria provided, single submitter. Criteria: GeneDx Variant Classification Process June 2021. Collection method: clinical testing. Allele origin: germline. Affected: yes.
Comment: Published functional studies demonstrate a damaging effect: impaired protein interaction (Zweier et al., 2007); Nonsense variant predicted to result in protein truncation or nonsense mediated decay in a gene for which loss-of-function is a known mechanism of disease; Not observed at significant frequency in large population cohorts (gnomAD); This variant is associated with the following publications: (PMID: 25525159, 32056211, 32429945, 31440721, 32971458, 17436255, 25356899)

Broad Center for Mendelian Genomics, Broad Institute of MIT and Harvard
Classification: Pathogenic for Pitt-Hopkins syndrome. Last evaluated: 2023-01-25. Review status: criteria provided, single submitter. Criteria: ACMG Guidelines, 2015. Collection method: curation. Allele origin: germline. Inheritance: Autosomal dominant inheritance.
Comment: Trio exome analysis showed this variant to be de novo. The p.Arg487Ter variant in TCF4 has been previously reported in 4 unrelated individuals with Pitt-Hopkins syndrome (PMID: 32429945, PMID: 25356899, PMID: 32056211, PMID: 17436255). This variant was found to be de novo in 3 individuals with confirmed paternity and maternity (PMID: 32429945, PMID: 25356899, PMID: 17436255). The number of reported affected individuals with this variant is greater than expected compared to non-affected individuals with this variant.n This variant has also been reported in ClinVar (Variation ID: 7372) and has been interpreted as pathogenic by multiple submitters. This variant was absent from large population studies. In vitro functional studies provide some evidence that the p.Arg487Ter variant may impact protein function (PMID: 17436255). However, these types of assays may not accurately represent biological function. This nonsense variant leads to a premature termination codon at position 487, which is predicted to lead to a truncated or absent protein. Heterozygous loss of function of the TCF4 gene is an established disease mechanism in autosomal dominant Pitt-Hopkins syndrome. In summary, this variant meets criteria to be classified as pathogenic for Pitt-Hopkins syndrome. ACMG/AMP Criteria applied: PVS1, PS2, PS3_Supporting, PS4_Moderate, PM2_Supporting (Richards 2015).

Labcorp Genetics (formerly Invitae), Labcorp
Classification: Pathogenic for Pitt-Hopkins syndrome. Last evaluated: 2022-09-04. Review status: criteria provided, single submitter. Criteria: Invitae Variant Classification Sherloc (09022015). Collection method: clinical testing. Allele origin: germline.
Comment: For these reasons, this variant has been classified as Pathogenic. ClinVar contains an entry for this variant (Variation ID: 7372). This premature translational stop signal has been observed in individual(s) with clinical features of Pitt-Hopkins syndrome or intellectual disability (PMID: 17436255, 25356899). This variant is not present in population databases (gnomAD no frequency). This sequence change creates a premature translational stop signal (p.Arg385*) in the TCF4 gene. It is expected to result in an absent or disrupted protein product. Loss-of-function variants in TCF4 are known to be pathogenic (PMID: 18728071, 22045651).

CENTOGENE GmbH and LLC - Guiding Precision Medicine
Classification: Pathogenic for Pitt-Hopkins syndrome. Last evaluated: 2022-04-26. Review status: criteria provided, single submitter. Criteria: ACMG Guidelines, 2015. Collection method: clinical testing. Allele origin: de novo. Affected: yes.

Victorian Clinical Genetics Services, Murdoch Childrens Research Institute
Classification: Pathogenic for Pitt-Hopkins syndrome. Last evaluated: 2021-05-06. Review status: criteria provided, single submitter. Criteria: ACMG Guidelines, 2015. Collection method: clinical testing. Allele origin: germline. Inheritance: Autosomal dominant inheritance. Affected: yes.
Comment: Based on the classification scheme VCGS_Germline_v1.3.4, this variant is classified as Pathogenic. Following criteria are met: 0102 - Loss of function is a known mechanism of disease in this gene and is associated with Pitt-Hopkins syndrome (MIM#610954). (I) 0107 - This gene is associated with autosomal dominant disease. (I) 0201 - Variant is predicted to cause nonsense-mediated decay (NMD) and loss of protein (premature termination codon is located at least 54 nucleotides upstream of the final exon-exon junction). (SP) 0251 - This variant is heterozygous. (I) 0301 - Variant is absent from gnomAD (both v2 and v3). (SP) 0701 - Other NMD-predicted variants comparable to the one identified in this case have very strong previous evidence for pathogenicity. These variants have been reported many times as pathogenic, and have been observed in individuals with Pitt-Hopkins syndrome. Where parental testing is available, these variants are usually de novo (DECIPHER, PMID: 17436255). (SP) 0801 - This variant has strong previous evidence of pathogenicity in unrelated individuals. This variant has been reported many times as pathogenic, and has been observed in patients with Pitt-Hopkins syndrome or neurodevelopmental disorder (ClinVar, PMID: 17436255, PMID: 32056211). (SP) Legend: (SP) - Supporting pathogenic, (I) - Information, (SB) - Supporting benign

Institute of Medical Genetics and Applied Genomics, University Hospital Tübingen
Classification: Pathogenic. Last evaluated: 2020-10-23. Review status: criteria provided, single submitter. Criteria: ACMG Guidelines, 2015. Collection method: clinical testing. Allele origin: germline. Inheritance: Unknown mechanism. Affected: yes.

Institute for Genomic Medicine (IGM) Clinical Laboratory, Nationwide Children's Hospital
Classification: Pathogenic for Corneal dystrophy, Fuchs endothelial, 3; Pitt-Hopkins syndrome. Last evaluated: 2019-02-28. Review status: criteria provided, single submitter. Criteria: ACMG Guidelines, 2015. Collection method: clinical testing. Allele origin: germline. Affected: yes.
Comment: [ACMG/AMP: PVS1, PS2, PS3, PM2, PS4_Moderate] This alteration is a null variant in a gene where LOF is a known mechanism of disease [PVS1], is de novo in origin as it was not detected in the submitted parental specimens (identity confirmed) [PS2], is supported by well-established in vitro or in vivo functional studies to have a damaging effect on protein function or splicing [PS3], is absent from or rarely observed in large-scale population databases [PM2], has previously been observed in multiple unrelated patients with the same phenotype [PS4_Moderate].

Center of Genomic medicine, Geneva, University Hospital of Geneva
Classification: Pathogenic for Pitt-Hopkins syndrome. Last evaluated: 2017-06-07. Review status: criteria provided, single submitter. Criteria: ACMG Guidelines, 2015. Collection method: clinical testing. Allele origin: germline. Affected: yes.

HudsonAlpha Institute for Biotechnology
Classification: Pathogenic for Pitt-Hopkins syndrome. Last evaluated: 2016-11-10. Review status: criteria provided, single submitter. Criteria: HA_assertions_20161101. Collection method: research. Allele origin: de novo. Affected: yes. Observed: 1 variant allele. Study: CSER-HudsonAlpha.

Eurofins Ntd Llc (ga)
Classification: Pathogenic. Last evaluated: 2014-12-09. Review status: criteria provided, single submitter. Criteria: EGL Classification Definitions 2015. Collection method: clinical testing. Allele origin: germline. Observed: 1 variant allele, 1 heterozygote.

Genetic Services Laboratory, University of Chicago
Classification: Pathogenic for Pitt-Hopkins syndrome. Last evaluated: 2013-02-08. Review status: criteria provided, single submitter. Criteria: ACMG Guidelines, 2007. Collection method: clinical testing. Allele origin: germline. Inheritance: Autosomal dominant inheritance. Affected: yes.

OMIM
Classification: Pathogenic for PITT-HOPKINS SYNDROME. Last evaluated: 2007-05-01. Review status: no assertion criteria provided. Collection method: literature only. Allele origin: germline. Not counted in ClinVar's aggregate classification.

Literature cited by the submitters: PubMed 17436255 (cited by 4 submitters); PubMed 25356899 (cited by Labcorp Genetics (formerly Invitae), Labcorp); PubMed 18728071 (cited by Labcorp Genetics (formerly Invitae), Labcorp); PubMed 22045651 (cited by Labcorp Genetics (formerly Invitae), Labcorp); PubMed 32056211 (cited by Victorian Clinical Genetics Services, Murdoch Childrens Research Institute).